The following is an entry in ClinVar:

NM_022051.3(EGLN1):c.806T>C (p.Ile269Thr)

Genes: EGLN1 (egl-9 family hypoxia inducible factor 1; minus strand), LOC129932769 (ATAC-STARR-seq lymphoblastoid active region 2730; plus strand). Cytogenetic location: 1q42.2.
Variant type: single nucleotide variant.
Coding change: c.806T>C on transcript NM_022051.3 (MANE Select); coding-DNA position 806, T replaced by C.
Protein change: p.Ile269Thr; replaces isoleucine 269 with threonine.
Molecular consequence: missense variant.
Genome position (GRCh38, 1-based): chr1:231,421,083, A>G on the plus strand (T>C on the coding strand, the complement: EGLN1 is on the minus strand). VCF-style: chr1-231421083-A-G. GRCh37 (hg19) VCF-style: chr1-231556829-A-G.
Other names: p.Ile269Thr; c.806T>C, p.Ile269Thr (NM_001377260.1, NM_001377261.1); short protein forms I269T.
Identifiers: ClinVar variation 1761876 (VCV001761876.10), dbSNP rs541542280, ClinGen allele CA1453106.

ClinVar aggregate classification (germline): Uncertain significance. Review status: criteria provided, multiple submitters, no conflicts (2 of 4 stars). 4 submissions from 4 submitters: Uncertain significance (4). Last evaluated 2025-07-01.

Conditions:
Erythrocytosis, familial, 3 (ECYT3). Identifiers: Orphanet 247511, MedGen C1853286, MONDO:0012353, OMIM 609820.

Allele frequency attached by ClinVar (database versions not stated): ExAC 0.00001; gnomAD 0.00001; gnomAD exomes 0.00001; TOPMed 0.00001; 1000 Genomes Project 30x 0.00016; 1000 Genomes Project 0.00020.
gnomAD v4.1: 11 of 1,614,030 alleles (0.00068%); highest among the groups gnomAD compares: Admixed American, 0.005%; no homozygotes.

Submissions (4):

Ambry Genetics
Classification: Uncertain significance. Last evaluated: 2025-07-01. Review status: criteria provided, single submitter. Criteria: Ambry Variant Classification Scheme 2023. Collection method: clinical testing. Allele origin: germline.
Comment: The p.I269T variant (also known as c.806T>C), located in coding exon 1 of the EGLN1 gene, results from a T to C substitution at nucleotide position 806. The isoleucine at codon 269 is replaced by threonine, an amino acid with similar properties. This amino acid position is highly conserved in available vertebrate species. In addition, this alteration is predicted to be deleterious by in silico analysis. The evidence for this gene-disease relationship is limited; therefore, the clinical significance of this alteration is unclear.

Mayo Clinic Laboratories, Mayo Clinic
Classification: Uncertain significance. Last evaluated: 2024-12-10. Review status: criteria provided, single submitter. Criteria: ACMG Guidelines, 2015. Collection method: clinical testing. Allele origin: germline. Observed: 1 variant allele.

Labcorp Genetics (formerly Invitae), Labcorp
Classification: Uncertain significance for Erythrocytosis, familial, 3. Last evaluated: 2024-11-22. Review status: criteria provided, single submitter. Criteria: Invitae Variant Classification Sherloc (09022015). Collection method: clinical testing. Allele origin: germline.
Comment: This sequence change replaces isoleucine, which is neutral and non-polar, with threonine, which is neutral and polar, at codon 269 of the EGLN1 protein (p.Ile269Thr). This variant is present in population databases (rs541542280, gnomAD 0.003%). This missense change has been observed in individual(s) with erythrocytosis (PMID: 37317877). ClinVar contains an entry for this variant (Variation ID: 1761876). An algorithm developed to predict the effect of missense changes on protein structure and function (PolyPhen-2) suggests that this variant is likely to be disruptive. Experimental studies have shown that this missense change affects EGLN1 function (PMID: 37317877). This variant disrupts the p.Ile269 amino acid residue in EGLN1. Other variant(s) that disrupt this residue have been observed in individuals with EGLN1-related conditions (PMID: 31016714), which suggests that this may be a clinically significant amino acid residue. In summary, the available evidence is currently insufficient to determine the role of this variant in disease. Therefore, it has been classified as a Variant of Uncertain Significance.

GeneDx
Classification: Uncertain significance. Last evaluated: 2023-08-27. Review status: criteria provided, single submitter. Criteria: GeneDx Variant Classification Process June 2021. Collection method: clinical testing. Allele origin: germline. Affected: yes.
Comment: Identified in patients with hereditary or idiopathic erythrocytosis (Oliveira et al., 2018; Delamare et al., 2023); Published functional studies suggest this variant may have a negative effect on protein stability but activity was not affected (Delamare et al., 2023); In silico analysis supports that this missense variant has a deleterious effect on protein structure/function; This variant is associated with the following publications: (PMID: 37317877, 29790589)

Literature cited by the submitters: PubMed 29790589 (cited by Ambry Genetics and Mayo Clinic Laboratories, Mayo Clinic); PubMed 37317877 (cited by Mayo Clinic Laboratories, Mayo Clinic and Labcorp Genetics (formerly Invitae), Labcorp); PubMed 38468832 (cited by Mayo Clinic Laboratories, Mayo Clinic); PubMed 31016714 (cited by Labcorp Genetics (formerly Invitae), Labcorp).